The following is an entry in ClinVar:

ClinVar aggregate classification (germline): Uncertain significance (1 of 4 stars; one submission).

Conditions:
Usher syndrome type 3B. Also called: USHER SYNDROME, TYPE IIIB. Identifiers: MedGen C3281066, MONDO:0013788, OMIM 614504.

Allele frequency attached by ClinVar (database versions not stated): gnomAD 0.00001.

Submission:

Labcorp Genetics (formerly Invitae), Labcorp
Classification: Uncertain significance for Usher syndrome type 3B. Last evaluated: 2019-09-05. Review status: criteria provided, single submitter. Criteria: Invitae Variant Classification Sherloc (09022015). Collection method: clinical testing. Allele origin: germline.
Comment: This sequence change replaces arginine with lysine at codon 63 of the HARS protein (p.Arg63Lys). The arginine residue is moderately conserved and there is a small physicochemical difference between arginine and lysine. This variant is not present in population databases (ExAC no frequency). This variant has not been reported in the literature in individuals with HARS-related conditions. Algorithms developed to predict the effect of missense changes on protein structure and function are either unavailable or do not agree on the potential impact of this missense change (SIFT: "Tolerated"; PolyPhen-2: "Possibly Damaging"; Align-GVGD: "Class C0"). In summary, the available evidence is currently insufficient to determine the role of this variant in disease. Therefore, it has been classified as a Variant of Uncertain Significance.

NM_002109.6(HARS1):c.188G>A (p.Arg63Lys)

Gene: HARS1 (histidyl-tRNA synthetase 1; minus strand). Cytogenetic location: 5q31.3.
Variant type: single nucleotide variant.
Coding change: c.188G>A on transcript NM_002109.6 (MANE Select); coding-DNA position 188, G replaced by A.
Protein change: p.Arg63Lys; replaces arginine 63 with lysine.
Molecular consequence: missense variant. On other transcripts: intron variant (3).
Genome position (GRCh38, 1-based): chr5:140,683,212, C>T on the plus strand (G>A on the coding strand, the complement: HARS1 is on the minus strand). VCF-style: chr5-140683212-C-T. GRCh37 (hg19) VCF-style: chr5-140062797-C-T.
Other names: c.188G>A, p.Arg63Lys (NM_001258041.3, NM_001289092.2); c.101G>A, p.Arg34Lys (NM_001289094.2); c.181-5197G>A (NM_001289093.2); c.181-3329G>A (NM_001258042.3, NM_001258040.3); short protein forms R63K, R34K.
Identifiers: ClinVar variation 939534 (VCV000939534.9), dbSNP rs1758827286, ClinGen allele CA361259375.
Genomic context (GRCh38, chr5:140,683,212, plus strand): 5'-CAACGGATGATTACGTCAAACACCTTCTCGCGAACTGCCATCTGCCGGGGACTATAGTCT[C>T]TTGTGCCCTTGGAGTTGAAATCAGCCAGAGAACCAGAAATGAGGTTTGAAAACCAAGAAC-3'
Protein context (NP_002100.2, residues 53-73): KFVLKTPKGT[Arg63Lys]DYSPRQMAVR